The following is an entry in ClinVar:

ClinVar aggregate classification (germline): Pathogenic (1 of 4 stars; one submission).

Submission:

Labcorp Genetics (formerly Invitae), Labcorp
Classification: Pathogenic. Last evaluated: 2019-11-28. Review status: criteria provided, single submitter. Criteria: Invitae Variant Classification Sherloc (09022015). Collection method: clinical testing. Allele origin: germline.
Comment: For these reasons, this variant has been classified as Pathogenic. Loss-of-function variants in PHEX are known to be pathogenic (PMID: 9097956, 9106524, 19219621). This variant has not been reported in the literature in individuals with PHEX-related conditions. This variant is not present in population databases (ExAC no frequency). This sequence change creates a premature translational stop signal (p.Trp603Valfs*4) in the PHEX gene. It is expected to result in an absent or disrupted protein product.

Literature cited by the submitters: PubMed 9097956; PubMed 9106524; PubMed 19219621.

NM_000444.6(PHEX):c.1806dup (p.Trp603fs)

Genes: PHEX (phosphate regulating endopeptidase X-linked; plus strand), PTCHD1-AS (PTCHD1 and PHEX antisense RNA; minus strand). Cytogenetic location: Xp22.11.
Variant type: Duplication.
Coding change: c.1806dup on transcript NM_000444.6 (MANE Select); coding-DNA position 1806, one base duplicated (G; older notation c.1806dupG).
Protein change: p.Trp603fs; shifts the reading frame from tryptophan 603.
Molecular consequence: frameshift variant.
Genome position (GRCh38, 1-based): chrX:22,221,650, G duplicated; the last of 2 consecutive G bases (chrX:22,221,649-22,221,650); duplicating either gives the same sequence. VCF-style (leftmost placement, unchanged base first): chrX-22221648-T-TG. GRCh37 (hg19) VCF-style: chrX-22239765-T-TG.
Other names: c.1806dup, p.Trp603fs (NM_001282754.2); short protein forms W603fs.
Identifiers: ClinVar variation 844115 (VCV000844115.7), dbSNP rs1935270550, ClinGen allele CA916083861.